The following is an entry in ClinVar:

NM_001148.6(ANK2):c.11408C>A (p.Thr3803Asn)

Gene: ANK2 (ankyrin 2; plus strand). Cytogenetic location: 4q26.
Variant type: single nucleotide variant.
Coding change: c.11408C>A on transcript NM_001148.6 (MANE Select); coding-DNA position 11408, C replaced by A.
Protein change: p.Thr3803Asn; replaces threonine 3803 with asparagine.
Molecular consequence: missense variant.
Genome position (GRCh38, 1-based): chr4:113,369,603, C>A. VCF-style: chr4-113369603-C-A. GRCh37 (hg19) VCF-style: chr4-114290759-C-A.
Other names: c.5126C>A, p.Thr1709Asn (NM_001127493.3); c.5165C>A, p.Thr1722Asn (NM_001354225.2); c.5054C>A, p.Thr1685Asn (NM_001354228.2, NM_001354258.2); c.5132C>A, p.Thr1711Asn (NM_001354230.2); c.5195C>A, p.Thr1732Asn (NM_001354231.2, NM_001354242.2); c.5189C>A, p.Thr1730Asn (NM_001354232.2); c.5150C>A, p.Thr1717Asn (NM_001354235.2, NM_001354246.2, NM_001354265.2); c.5051C>A, p.Thr1684Asn (NM_001354236.2); and 35 more; short protein forms T1557N, T1590N, T1618N, T1623N, T1631N, T1640N, T1643N, T1645N.
Identifiers: ClinVar variation 1315892 (VCV001315892.3), dbSNP rs985908804, ClinGen allele CA103823684.

ClinVar aggregate classification (germline): Uncertain significance (1 of 4 stars; one submission).

Allele frequency attached by ClinVar (database versions not stated): gnomAD exomes below 0.00001; TOPMed below 0.00001.
gnomAD v4.1: 1 of 1,614,134 alleles (0.000062%); highest among the groups gnomAD compares: Non-Finnish European, 0.000085%; no homozygotes.

Submission:

GeneDx
Classification: Uncertain significance. Last evaluated: 2026-01-20. Review status: criteria provided, single submitter. Criteria: GeneDx Variant Classification Process June 2021. Collection method: clinical testing. Allele origin: germline. Affected: yes.
Comment: Not observed at significant frequency in large population cohorts (gnomAD); In silico analysis suggests that this missense variant does not alter protein structure/function; Has not been previously published as pathogenic or benign to our knowledge